The following is an entry in ClinVar:

NM_032043.3(BRIP1):c.1952T>G (p.Ile651Ser)

Gene: BRIP1 (BRCA1 interacting DNA helicase 1; minus strand). Cytogenetic location: 17q23.2.
Variant type: single nucleotide variant.
Coding change: c.1952T>G on transcript NM_032043.3 (MANE Select); coding-DNA position 1952, T replaced by G.
Protein change: p.Ile651Ser; replaces isoleucine 651 with serine.
Molecular consequence: missense variant.
Genome position (GRCh38, 1-based): chr17:61,776,546, A>C on the plus strand (T>G on the coding strand, the complement: BRIP1 is on the minus strand). VCF-style: chr17-61776546-A-C. GRCh37 (hg19) VCF-style: chr17-59853907-A-C.
Other names: short protein forms I651S.
Identifiers: ClinVar variation 4216289 (VCV004216289.1).
Genomic context (GRCh38, chr17:61,776,546, plus strand): 5'-TCAAATGTTTCAGTATTCTGGAAGGTAGCACAGAGATTCCGACCCTTGGGGCCTGACCCA[A>C]TGGTACCAACCCAAACCTAGAATATGAATATGTCATTATTAGAGTTATGCCTGAAAAAGG-3'
Protein context (NP_114432.2, residues 641-661): IKNSQVWVGT[Ile651Ser]GSGPKGRNLC

ClinVar aggregate classification (germline): Uncertain significance (1 of 4 stars; one submission).

Conditions:
Hereditary cancer-predisposing syndrome. Also called: Hereditary Cancer Syndrome; Hereditary neoplastic syndrome; Neoplastic Syndromes, Hereditary; Tumor predisposition. Identifiers: Orphanet 140162, MedGen C0027672, MeSH D009386, MONDO:0015356.

Submission:

Ambry Genetics
Classification: Uncertain significance for Hereditary cancer-predisposing syndrome. Last evaluated: 2025-09-10. Review status: criteria provided, single submitter. Criteria: Ambry Variant Classification Scheme 2023. Collection method: clinical testing. Allele origin: germline.
Comment: The p.I651S variant (also known as c.1952T>G), located in coding exon 13 of the BRIP1 gene, results from a T to G substitution at nucleotide position 1952. The isoleucine at codon 651 is replaced by serine, an amino acid with dissimilar properties. This amino acid position is conserved. In addition, the in silico prediction for this alteration is inconclusive. Based on the available evidence, the clinical significance of this variant remains unclear.